The following is an entry in ClinVar:

NM_022725.4(FANCF):c.647G>C (p.Arg216Pro)

Gene: FANCF (FA complementation group F; minus strand). Cytogenetic location: 11p14.3.
Variant type: single nucleotide variant.
Coding change: c.647G>C on transcript NM_022725.4 (MANE Select); coding-DNA position 647, G replaced by C.
Protein change: p.Arg216Pro; replaces arginine 216 with proline.
Molecular consequence: missense variant.
Genome position (GRCh38, 1-based): chr11:22,625,164, C>G on the plus strand (G>C on the coding strand, the complement: FANCF is on the minus strand). VCF-style: chr11-22625164-C-G. GRCh37 (hg19) VCF-style: chr11-22646710-C-G.
Other names: short protein forms R216P.
Identifiers: ClinVar variation 435150 (VCV000435150.21), dbSNP rs192534185, ClinGen allele CA5924289.

ClinVar aggregate classification (germline): Uncertain significance. Review status: criteria provided, multiple submitters, no conflicts (2 of 4 stars). 7 submissions from 7 submitters: Uncertain significance (6). 1 of the submissions does not count toward it. Last evaluated 2025-01-06.

Conditions:
Fanconi anemia complementation group F. Also called: FANCF-Related Fanconi Anemia. Identifiers: Orphanet 84, MedGen C3469526, MONDO:0011325, OMIM 603467.
Fanconi anemia (FA). Also called: Fanconi's anemia. Identifiers: Orphanet 84, MedGen C0015625, MeSH D005199, MONDO:0019391.

Allele frequency attached by ClinVar (database versions not stated): ExAC 0.00014; gnomAD exomes 0.00014; gnomAD 0.00022 and 0.00024; TOPMed 0.00037; 1000 Genomes Project 0.00060; 1000 Genomes Project 30x 0.00062.

Submissions (7):

Labcorp Genetics (formerly Invitae), Labcorp
Classification: Uncertain significance for Fanconi anemia. Last evaluated: 2025-01-06. Review status: criteria provided, single submitter. Criteria: Invitae Variant Classification Sherloc (09022015). Collection method: clinical testing. Allele origin: germline.
Comment: This sequence change replaces arginine, which is basic and polar, with proline, which is neutral and non-polar, at codon 216 of the FANCF protein (p.Arg216Pro). This variant is present in population databases (rs192534185, gnomAD 0.06%). This variant has not been reported in the literature in individuals affected with FANCF-related conditions. ClinVar contains an entry for this variant (Variation ID: 435150). Invitae Evidence Modeling of protein sequence and biophysical properties (such as structural, functional, and spatial information, amino acid conservation, physicochemical variation, residue mobility, and thermodynamic stability) indicates that this missense variant is not expected to disrupt FANCF protein function with a negative predictive value of 80%. In summary, the available evidence is currently insufficient to determine the role of this variant in disease. Therefore, it has been classified as a Variant of Uncertain Significance.

Blueprint Genetics
Classification: Uncertain significance. Last evaluated: 2024-11-01. Review status: criteria provided, single submitter. Criteria: ACMG Guidelines, 2015. Collection method: clinical testing. Allele origin: germline.

Fulgent Genetics
Classification: Uncertain significance for Fanconi anemia complementation group F. Last evaluated: 2024-06-20. Review status: criteria provided, single submitter. Criteria: ACMG Guidelines, 2015. Collection method: clinical testing. Allele origin: germline.

GeneDx
Classification: Uncertain significance. Last evaluated: 2021-11-16. Review status: criteria provided, single submitter. Criteria: GeneDx Variant Classification Process June 2021. Collection method: clinical testing. Allele origin: germline. Affected: yes.
Comment: In silico analysis, which includes protein predictors and evolutionary conservation, supports that this variant does not alter protein structure/function; Has not been previously published as pathogenic or benign to our knowledge

Institute for Clinical Genetics, University Hospital TU Dresden, University Hospital TU Dresden
Classification: Uncertain significance. Last evaluated: 2021-11-03. Review status: criteria provided, single submitter. Criteria: ACMG Guidelines, 2015. Collection method: clinical testing. Allele origin: germline.

Genetic Services Laboratory, University of Chicago
Classification: Uncertain significance. Last evaluated: 2016-01-13. Review status: criteria provided, single submitter. Criteria: ACMG Guidelines, 2015. Collection method: clinical testing. Allele origin: germline. Affected: no.

Leiden Open Variation Database
Classification: Uncertain significance. Last evaluated: 2019-09-30. Review status: no assertion criteria provided. Collection method: curation. Allele origin: germline. Affected: yes. Not counted in ClinVar's aggregate classification.
Comment: Curator: Arleen D. Auerbach. Submitter to LOVD: Andreas Laner.